The following is an entry in ClinVar:

ClinVar aggregate classification (germline): Conflicting classifications of pathogenicity. Review status: criteria provided, conflicting classifications (1 of 4 stars). 3 submissions from 3 submitters: Likely pathogenic (1); Uncertain significance (2). Last evaluated 2020-05-11.

Conditions:
GNAO1-related disorder. Also called: GNAO1-related condition; GNAO1-Related Disorders. Identifiers: MedGen CN381308.
Neurodevelopmental disorder with involuntary movements (NEDIM). Identifiers: Orphanet 592564, MedGen C4479569, MONDO:0060491, OMIM 617493.

Allele frequency attached by ClinVar (database versions not stated): gnomAD exomes below 0.00001; TOPMed below 0.00001.

Submissions (3):

Rady Children's Institute for Genomic Medicine, Rady Children's Hospital San Diego
Classification: Likely pathogenic for GNAO1-Related Condition. Last evaluated: 2020-05-11. Review status: criteria provided, single submitter. Criteria: ACMG Guidelines, 2015. Collection method: clinical testing. Allele origin: germline. Affected: yes.
Comment: This variant has not been previously reported or functionally characterized in the literature to our knowledge. It is absent from the gnomAD population database and thus is presumed to be rare. The c.604G>A (p.Val202Ile) variant affects a highly conserved amino acid and is predicted by multiple in silico tools to have a deleterious effect on protein function. A recurrent missense variant at the adjacent amino acid residue (c.607G>A, p.G203R) has been reported as a de novo change in individuals with phenotypes that include epileptic encephalopathy, developmental delay, chorea, dystrophy, dystonia (PMID: 28628939, 28973083, 29100083, 28688840, 28202424, 25966631, 23993195). Analysis of the parental samples was negative for the variant, indicating this variant likely occurred as a de novo event. Based on the available evidence, the c.604G>A (p.Val202Ile) variant is classified as Likely Pathogenic.

GeneDx
Classification: Uncertain significance. Last evaluated: 2019-06-12. Review status: criteria provided, single submitter. Criteria: GeneDx Variant Classification Process June 2021. Collection method: clinical testing. Allele origin: germline. Affected: yes.
Comment: Not observed in large population cohorts (Lek et al., 2016); In silico analysis, which includes protein predictors and evolutionary conservation, supports that this variant does not alter protein structure/function; Has not been previously published as pathogenic or benign to our knowledge

HudsonAlpha Institute for Biotechnology
Classification: Uncertain significance for Neurodevelopmental disorder with involuntary movements. Last evaluated: 2018-04-16. Review status: criteria provided, single submitter. Criteria: ACMG Guidelines, 2015. Collection method: research. Allele origin: de novo. Affected: yes. Observed: 1 variant allele. Study: CSER-HudsonAlpha.

NM_020988.3(GNAO1):c.604G>A (p.Val202Ile)

Gene: GNAO1 (G protein subunit alpha o1; plus strand). Cytogenetic location: 16q13.
Variant type: single nucleotide variant.
Coding change: c.604G>A on transcript NM_020988.3 (MANE Select); coding-DNA position 604, G replaced by A.
Protein change: p.Val202Ile; replaces valine 202 with isoleucine.
Molecular consequence: missense variant.
Genome position (GRCh38, 1-based): chr16:56,336,741, G>A. VCF-style: chr16-56336741-G-A. GRCh37 (hg19) VCF-style: chr16-56370653-G-A.
Other names: c.604G>A, p.Val202Ile (NM_138736.3); short protein forms V202I.
Identifiers: ClinVar variation 545591 (VCV000545591.4), dbSNP rs1297388989, ClinGen allele CA395952155.